The following is an entry in ClinVar:

ClinVar aggregate classification (germline): Benign/Likely benign. Review status: criteria provided, multiple submitters, no conflicts (2 of 4 stars). 6 submissions from 6 submitters: Benign (4); Likely benign (1). 1 of the submissions does not count toward it. Last evaluated 2026-01-31.

Conditions:
ATP6AP2-related disorder. Identifiers: MedGen CN294805, MONDO:0100146.
Congenital disorder of glycosylation, type IIr. Also called: CDG IIr. Identifiers: MedGen C5393313, MONDO:0026765, OMIM 301045.
Intellectual developmental disorder, X-linked, syndromic, Hedera type. Also called: Syndromic X-linked intellectual disability Hedera type. Identifiers: Orphanet 93952, MedGen C1845543, MONDO:0010319, OMIM 300423.
X-linked parkinsonism-spasticity syndrome. Also called: Parkinsonism with spasticity, X-linked. Identifiers: Orphanet 363654, MedGen C3806722, MONDO:0010482, OMIM 300911.

Allele frequency attached by ClinVar (database versions not stated): gnomAD exomes 0.00023 and 0.00063; ExAC 0.00083; 1000 Genomes Project 0.00185; 1000 Genomes Project 30x 0.00229; gnomAD 0.00230 and 0.00243; TOPMed 0.00289; ESP Exome Variant Server 0.00379.

Submissions (6):

Labcorp Genetics (formerly Invitae), Labcorp
Classification: Benign for Intellectual developmental disorder, X-linked, syndromic, Hedera type. Last evaluated: 2026-01-31. Review status: criteria provided, single submitter. Criteria: Invitae Variant Classification Sherloc (09022015). Collection method: clinical testing. Allele origin: germline.

Fulgent Genetics
Classification: Likely benign for Intellectual developmental disorder, X-linked, syndromic, Hedera type; X-linked parkinsonism-spasticity syndrome; Congenital disorder of glycosylation, type IIr. Last evaluated: 2021-10-14. Review status: criteria provided, single submitter. Criteria: ACMG Guidelines, 2015. Collection method: clinical testing. Allele origin: unknown.

Athena Diagnostics
Classification: Benign. Last evaluated: 2016-12-29. Review status: criteria provided, single submitter. Criteria: Athena Diagnostics Criteria. Collection method: clinical testing. Allele origin: germline.

GeneDx
Classification: Benign. Last evaluated: 2013-06-26. Review status: criteria provided, single submitter. Criteria: GeneDx Variant Classification (06012015). Collection method: clinical testing. Allele origin: germline. Affected: yes.
Comment: This variant is considered likely benign or benign based on one or more of the following criteria: it is a conservative change, it occurs at a poorly conserved position in the protein, it is predicted to be benign by multiple in silico algorithms, and/or has population frequency not consistent with disease.

Breakthrough Genomics
Classification: Benign. Review status: criteria provided, single submitter. Criteria: ACMG Guidelines, 2015. Collection method: not provided. Allele origin: germline. Inheritance: X-linked inheritance. Affected: yes.

PreventionGenetics, part of Exact Sciences
Classification: Benign for ATP6AP2-related condition. Last evaluated: 2019-05-06. Review status: no assertion criteria provided. Collection method: clinical testing. Allele origin: germline. Not counted in ClinVar's aggregate classification.
Comment: This variant is classified as benign based on ACMG/AMP sequence variant interpretation guidelines (Richards et al. 2015 PMID: 25741868, with internal and published modifications).

NM_005765.3(ATP6AP2):c.38-5T>C

Gene: ATP6AP2 (ATPase H+ transporting accessory protein 2; plus strand). Cytogenetic location: Xp11.4.
Variant type: single nucleotide variant.
Coding change: c.38-5T>C on transcript NM_005765.3 (MANE Select); 5 bases into the intron before coding-DNA position 38, T replaced by C.
Molecular consequence: intron variant.
Genome position (GRCh38, 1-based): chrX:40,588,981, T>C. VCF-style: chrX-40588981-T-C. GRCh37 (hg19) VCF-style: chrX-40448233-T-C.
Identifiers: ClinVar variation 136465 (VCV000136465.16), dbSNP rs190477001, ClinGen allele CA289601.